The following is an entry in ClinVar:

NM_006766.5(KAT6A):c.3325G>A (p.Glu1109Lys)

Gene: KAT6A (lysine acetyltransferase 6A; minus strand). Cytogenetic location: 8p11.21.
Variant type: single nucleotide variant.
Coding change: c.3325G>A on transcript NM_006766.5 (MANE Select); coding-DNA position 3325, G replaced by A.
Protein change: p.Glu1109Lys; replaces glutamic acid 1109 with lysine.
Molecular consequence: missense variant.
Genome position (GRCh38, 1-based): chr8:41,937,283, C>T on the plus strand (G>A on the coding strand, the complement: KAT6A is on the minus strand). VCF-style: chr8-41937283-C-T. GRCh37 (hg19) VCF-style: chr8-41794801-C-T.
Other names: short protein forms E1109K.
Identifiers: ClinVar variation 4747332 (VCV004747332.1).

ClinVar aggregate classification (germline): Uncertain significance (1 of 4 stars; one submission).

Submission:

Labcorp Genetics (formerly Invitae), Labcorp
Classification: Uncertain significance. Last evaluated: 2026-01-01. Review status: criteria provided, single submitter. Criteria: Invitae Variant Classification Sherloc (09022015). Collection method: clinical testing. Allele origin: germline.
Comment: This sequence change replaces glutamic acid, which is acidic and polar, with lysine, which is basic and polar, at codon 1109 of the KAT6A protein (p.Glu1109Lys). This variant is not present in population databases (gnomAD no frequency). This variant has not been reported in the literature in individuals affected with KAT6A-related conditions. Invitae Evidence Modeling of protein sequence and biophysical properties (such as structural, functional, and spatial information, amino acid conservation, physicochemical variation, residue mobility, and thermodynamic stability) indicates that this missense variant is not expected to disrupt KAT6A protein function with a negative predictive value of 95%. In summary, the available evidence is currently insufficient to determine the role of this variant in disease. Therefore, it has been classified as a Variant of Uncertain Significance.